The following is an entry in ClinVar:

ClinVar aggregate classification (germline): Uncertain significance. Review status: criteria provided, multiple submitters, no conflicts (2 of 4 stars). 2 submissions from 2 submitters: Uncertain significance (2). Last evaluated 2025-10-22.

Conditions:
Inborn genetic diseases. Identifiers: MedGen C0950123, MeSH D030342.
SAMD9L-related disorder. Also called: SAMD9L-related condition; SAMD9L-related disorders.

Allele frequency attached by ClinVar (database versions not stated): gnomAD exomes 0.00001; TOPMed 0.00001; ExAC 0.00002.
gnomAD v4.1: 3 of 1,613,826 alleles (0.00019%); highest among the groups gnomAD compares: Admixed American, 0.005%; no homozygotes.

Submissions (2):

Ambry Genetics
Classification: Uncertain significance for Inborn genetic diseases. Last evaluated: 2025-10-22. Review status: criteria provided, single submitter. Criteria: Ambry Variant Classification Scheme 2023. Collection method: clinical testing. Allele origin: germline.
Comment: The p.V652A variant (also known as c.1955T>C), located in coding exon 1 of the SAMD9L gene, results from a T to C substitution at nucleotide position 1955. The valine at codon 652 is replaced by alanine, an amino acid with similar properties. This amino acid position is conserved. In addition, this alteration is predicted to be tolerated by in silico analysis. Based on the available evidence, the clinical significance of this variant remains unclear.

PreventionGenetics, part of Exact Sciences
Classification: Uncertain significance for SAMD9L-related condition. Last evaluated: 2023-02-15. Review status: criteria provided, single submitter. Criteria: ACMG Guidelines, 2015. Collection method: clinical testing. Allele origin: germline.
Comment: The SAMD9L c.1955T>C variant is predicted to result in the amino acid substitution p.Val652Ala. To our knowledge, this variant has not been reported in the literature. This variant is reported in 0.0087% of alleles in individuals of Latino descent in gnomAD. At this time, the clinical significance of this variant is uncertain due to the absence of conclusive functional and genetic evidence.

NM_152703.5(SAMD9L):c.1955T>C (p.Val652Ala)

Gene: SAMD9L (sterile alpha motif domain containing 9 like; minus strand). Cytogenetic location: 7q21.2.
Variant type: single nucleotide variant.
Coding change: c.1955T>C on transcript NM_152703.5 (MANE Select); coding-DNA position 1955, T replaced by C.
Protein change: p.Val652Ala; replaces valine 652 with alanine.
Molecular consequence: missense variant.
Genome position (GRCh38, 1-based): chr7:93,134,017, A>G on the plus strand (T>C on the coding strand, the complement: SAMD9L is on the minus strand). VCF-style: chr7-93134017-A-G. GRCh37 (hg19) VCF-style: chr7-92763330-A-G.
Other names: c.1955T>C, p.Val652Ala (NM_001303496.3, NM_001303497.3, NM_001303498.3 and 5 more transcripts); c.1955T>C (NM_152703.2); short protein forms V652A.
Identifiers: ClinVar variation 2634788 (VCV002634788.2), dbSNP rs780351548, ClinGen allele CA4343652.